The following is an entry in ClinVar:

NM_020461.4(TUBGCP6):c.3883C>T (p.Gln1295Ter)

Gene: TUBGCP6 (tubulin gamma complex component 6; minus strand). Cytogenetic location: 22q13.33.
Variant type: single nucleotide variant.
Coding change: c.3883C>T on transcript NM_020461.4 (MANE Select); coding-DNA position 3883, C replaced by T.
Protein change: p.Gln1295Ter; replaces glutamine 1295 with a stop codon.
Molecular consequence: nonsense.
Genome position (GRCh38, 1-based): chr22:50,220,476, G>A on the plus strand (C>T on the coding strand, the complement: TUBGCP6 is on the minus strand). VCF-style: chr22-50220476-G-A. GRCh37 (hg19) VCF-style: chr22-50658905-G-A.
Other names: short protein forms Q1295*.
Identifiers: ClinVar variation 546025 (VCV000546025.4), dbSNP rs1555907270, ClinGen allele CA412177969.

ClinVar aggregate classification (germline): Likely pathogenic (1 of 4 stars; one submission).

Submission:

GeneDx
Classification: Likely pathogenic. Last evaluated: 2023-08-16. Review status: criteria provided, single submitter. Criteria: GeneDx Variant Classification Process June 2021. Collection method: clinical testing. Allele origin: germline. Affected: yes.
Comment: Nonsense variant predicted to result in protein truncation or nonsense mediated decay in a gene for which loss of function is a known mechanism of disease; Not observed at significant frequency in large population cohorts (gnomAD); Has not been previously published as pathogenic or benign to our knowledge